The following is an entry in ClinVar:

ClinVar aggregate classification (germline): Uncertain significance (1 of 4 stars; one submission).

Conditions:
RASopathy. Also called: Noonan spectrum disorder; rasopathies. Identifiers: Orphanet 536391, MedGen C5555857, MONDO:0021060.

Submission:

Labcorp Genetics (formerly Invitae), Labcorp
Classification: Uncertain significance for RASopathy. Last evaluated: 2019-06-17. Review status: criteria provided, single submitter. Criteria: Invitae Variant Classification Sherloc (09022015). Collection method: clinical testing. Allele origin: germline.
Comment: This sequence change replaces valine with isoleucine at codon 499 of the SOS1 protein (p.Val499Ile). The valine residue is highly conserved and there is a small physicochemical difference between valine and isoleucine. This variant is not present in population databases (ExAC no frequency). This variant has not been reported in the literature in individuals with SOS1-related conditions. Algorithms developed to predict the effect of missense changes on protein structure and function (SIFT, PolyPhen-2, Align-GVGD) all suggest that this variant is likely to be tolerated, but these predictions have not been confirmed by published functional studies and their clinical significance is uncertain. In summary, the available evidence is currently insufficient to determine the role of this variant in disease. Therefore, it has been classified as a Variant of Uncertain Significance.

NM_005633.4(SOS1):c.1495G>A (p.Val499Ile)

Gene: SOS1 (SOS Ras/Rac guanine nucleotide exchange factor 1; minus strand). Cytogenetic location: 2p22.1.
Variant type: single nucleotide variant.
Coding change: c.1495G>A on transcript NM_005633.4 (MANE Select); coding-DNA position 1495, G replaced by A.
Protein change: p.Val499Ile; replaces valine 499 with isoleucine.
Molecular consequence: missense variant.
Genome position (GRCh38, 1-based): chr2:39,022,933, C>T on the plus strand (G>A on the coding strand, the complement: SOS1 is on the minus strand). VCF-style: chr2-39022933-C-T. GRCh37 (hg19) VCF-style: chr2-39250074-C-T.
Other names: c.1474G>A, p.Val492Ile (NM_001382394.1); c.1495G>A, p.Val499Ile (NM_001382395.1); short protein forms V492I, V499I.
Identifiers: ClinVar variation 935897 (VCV000935897.9), dbSNP rs1315811250, ClinGen allele CA346366042.